The following is an entry in ClinVar:

ClinVar aggregate classification (germline): Conflicting classifications of pathogenicity. Review status: criteria provided, conflicting classifications (1 of 4 stars). 6 submissions from 6 submitters: Likely pathogenic (1); Uncertain significance (5). Last evaluated 2026-03-26.

Conditions:
Familial thoracic aortic aneurysm and aortic dissection (TAAD). Also called: Thoracic aortic aneurysms and dissections. Identifiers: Orphanet 91387, MedGen C4707243, MONDO:0019625.
Marfan syndrome (MFS). Also called: Marfan syndrome type 1; Marfan's syndrome; Marfan syndrome, classic; FBN1-Related Marfan Syndrome; MARFAN SYNDROME, TYPE I. Identifiers: Orphanet 284963, Orphanet 558, MedGen C0024796, MONDO:0007947, OMIM 154700.
MASS syndrome (OCTD). Also called: MASS PHENOTYPE; OVERLAP CONNECTIVE TISSUE DISEASE. Identifiers: MedGen C1858556, MONDO:0011431, OMIM 604308.
Stiff skin syndrome (SSKS). Identifiers: Orphanet 2833, MedGen C1861456, MONDO:0008492, OMIM 184900.
Ectopia lentis 1, isolated, autosomal dominant (ECTOL1). Identifiers: Orphanet 1885, MedGen C3541518, MONDO:0007514, OMIM 129600.
Weill-Marchesani syndrome 2, dominant. Also called: Weill-Marchesani Syndrome, Autosomal Dominant; FBN1-Related Weill-Marchesani Syndrome. Identifiers: Orphanet 2084, MedGen C1869115, MONDO:0012013, OMIM 608328.
Progeroid and marfanoid aspect-lipodystrophy syndrome. Also called: MARFANOID-PROGEROID SYNDROME; MARFAN-PROGEROID-LIPODYSTROPHY SYNDROME; Marfan lipodystrophy syndrome; MARFANOID-PROGEROID-LIPODYSTROPHY SYNDROME. Identifiers: Orphanet 300382, MedGen C4310796, MONDO:0014831, OMIM 616914.
Acromicric dysplasia (ACMICD). Also called: Acromicric skeletal dysplasia. Identifiers: Orphanet 969, MedGen C0265287, MONDO:0007055, OMIM 102370.
Geleophysic dysplasia 2 (GPHYSD2). Identifiers: Orphanet 2623, MedGen C3280054, MONDO:0013612, OMIM 614185.

gnomAD v4.1: 8 of 1,614,076 alleles (0.0005%); highest among the groups gnomAD compares: South Asian, 0.0022%; 1 homozygote.

Submissions (6):

GeneDx
Classification: Uncertain significance. Last evaluated: 2026-03-26. Review status: criteria provided, single submitter. Criteria: GeneDx Variant Classification Process June 2021. Collection method: clinical testing. Allele origin: germline.
Comment: Not observed at significant frequency in large population cohorts (gnomAD); In silico analysis supports that this missense variant has a deleterious effect on protein structure/function; Has not been previously published in association with an FBN1-related disorder to our knowledge; Does not affect a cysteine or calcium-binding residue within an EGF-like domain or a TGF-binding protein domain of the FBN1 gene; cysteine substitutions in the EGF-like domains represent the majority of pathogenic missense changes associated with FBN1-related disorders (PMID: 12938084); This variant is associated with the following publications: (PMID: 12938084, 30471092)

Labcorp Genetics (formerly Invitae), Labcorp
Classification: Likely pathogenic for Marfan syndrome; Familial thoracic aortic aneurysm and aortic dissection. Last evaluated: 2025-10-06. Review status: criteria provided, single submitter. Criteria: Invitae Variant Classification Sherloc (09022015). Collection method: clinical testing. Allele origin: germline.
Comment: This sequence change replaces proline, which is neutral and non-polar, with leucine, which is neutral and non-polar, at codon 1009 of the FBN1 protein (p.Pro1009Leu). This variant is not present in population databases (gnomAD no frequency). This variant has not been reported in the literature in individuals affected with FBN1-related conditions. ClinVar contains an entry for this variant (Variation ID: 925193). Invitae Evidence Modeling of protein sequence and biophysical properties (such as structural, functional, and spatial information, amino acid conservation, physicochemical variation, residue mobility, and thermodynamic stability) indicates that this missense variant is expected to disrupt FBN1 protein function with a positive predictive value of 95%. This variant disrupts the p.Pro1009 amino acid residue in FBN1. Other variant(s) that disrupt this residue have been determined to be pathogenic (PMID: 27112580; internal data). This suggests that this residue is clinically significant, and that variants that disrupt this residue are likely to be disease-causing. In summary, the currently available evidence indicates that the variant is pathogenic, but additional data are needed to prove that conclusively. Therefore, this variant has been classified as Likely Pathogenic.

Color Diagnostics, LLC DBA Color Health
Classification: Uncertain significance for Familial thoracic aortic aneurysm and aortic dissection. Last evaluated: 2025-06-02. Review status: criteria provided, single submitter. Criteria: ACMG Guidelines, 2015. Collection method: clinical testing. Allele origin: germline.
Comment: This missense variant replaces proline with leucine at codon 1009 of the FBN1 protein. Computational prediction suggests that this variant may have a deleterious impact on protein structure and function. To our knowledge, functional studies have not been reported for this variant. This variant has been reported in an individual affected with left ventricular non-compaction (PMID: 30471092). This variant has not been identified in the general population by the Genome Aggregation Database (gnomAD). The available evidence is insufficient to determine the role of this variant in disease conclusively. Therefore, this variant is classified as a Variant of Uncertain Significance.

All of Us Research Program, National Institutes of Health
Classification: Uncertain significance for Marfan syndrome. Last evaluated: 2024-06-11. Review status: criteria provided, single submitter. Criteria: ACMG Guidelines, 2015. Collection method: clinical testing. Allele origin: germline. Inheritance: Autosomal dominant inheritance. Observed: 2 variant alleles, 2 heterozygotes.
Comment: This missense variant replaces proline with leucine at codon 1009 of the FBN1 protein. Computational prediction suggests that this variant may have deleterious impact on protein structure and function (internally defined REVEL score threshold >= 0.7, PMID: 27666373). To our knowledge, functional studies have not been reported for this variant. This variant has been reported in one individual affected with left ventricular non-compaction (PMID: 30471092). This variant has not been identified in the general population by the Genome Aggregation Database (gnomAD). The available evidence is insufficient to determine the role of this variant in disease conclusively. Therefore, this variant is classified as a Variant of Uncertain Significance.

This study involves interpretation of variants in research participants for the purpose of population health screening. Participant phenotype was not available at the time of variant classification. Additional details can be found in publication PMID: 35346344, PMCID: PMC8962531

Fulgent Genetics
Classification: Uncertain significance for Acromicric dysplasia; Ectopia lentis 1, isolated, autosomal dominant; Marfan syndrome; Stiff skin syndrome; MASS syndrome; Weill-Marchesani syndrome 2, dominant; Geleophysic dysplasia 2; Progeroid and marfanoid aspect-lipodystrophy syndrome. Last evaluated: 2021-07-26. Review status: criteria provided, single submitter. Criteria: ACMG Guidelines, 2015. Collection method: clinical testing. Allele origin: unknown.

Breakthrough Genomics
Classification: Uncertain significance. Review status: criteria provided, single submitter. Criteria: ACMG Guidelines, 2015. Collection method: not provided. Allele origin: germline. Inheritance: Autosomal dominant inheritance. Affected: yes.

Literature cited by the submitters: PubMed 27112580 (cited by Labcorp Genetics (formerly Invitae), Labcorp); PubMed 30471092 (cited by Color Diagnostics, LLC DBA Color Health and All of Us Research Program, National Institutes of Health).

NM_000138.5(FBN1):c.3026C>T (p.Pro1009Leu)

Gene: FBN1 (fibrillin 1; minus strand). Cytogenetic location: 15q21.1.
Variant type: single nucleotide variant.
Coding change: c.3026C>T on transcript NM_000138.5 (MANE Select); coding-DNA position 3026, C replaced by T.
Protein change: p.Pro1009Leu; replaces proline 1009 with leucine.
Molecular consequence: missense variant.
Genome position (GRCh38, 1-based): chr15:48,489,907, G>A on the plus strand (C>T on the coding strand, the complement: FBN1 is on the minus strand). VCF-style: chr15-48489907-G-A. GRCh37 (hg19) VCF-style: chr15-48782104-G-A.
Other names: short protein forms P1009L.
Identifiers: ClinVar variation 925193 (VCV000925193.19), dbSNP rs148076256, ClinGen allele CA392328991.